The following is an entry in ClinVar:

ClinVar aggregate classification (germline): Uncertain significance (1 of 4 stars; one submission).

Conditions:
Multiple acyl-CoA dehydrogenase deficiency (MADD). Also called: Glutaric aciduria, type 2; Glutaric acidemia type II; GA 2; Glutaric Acidemia type 2; ETHYLMALONIC-ADIPICACIDURIA; GA II. Identifiers: Orphanet 26791, MedGen C0268596, MONDO:0009282, OMIM 231680.

gnomAD v4.1: 3 of 1,584,862 alleles (0.00019%); highest among the groups gnomAD compares: Non-Finnish European, 0.00026%; no homozygotes.

Submission:

Molecular Genetics, Royal Melbourne Hospital
Classification: Uncertain significance for Multiple acyl-CoA dehydrogenase deficiency. Last evaluated: 2024-06-13. Review status: criteria provided, single submitter. Criteria: ACMG Guidelines, 2015. Collection method: clinical testing. Allele origin: germline. Inheritance: Autosomal recessive inheritance. Affected: yes.
Comment: This sequence change in ETFDH is predicted to replace glycine with glutamic acid at codon 148, p.(Gly148Glu). The glycine residue is weakly conserved (100 vertebrates, Multiz Alignments), and is not located in an annotated functional domain. There is a moderate physicochemical difference between glycine and glutamic acid. The highest population minor allele frequency in the population database gnomAD v4.1 is 0.0003% (3/1,085,542 alleles) in the European Non-Finnish population, which is consistent with recessive disease. To our knowledge, this variant is novel and has not been previously reported in the relevant scientific literature or databases. Computational evidence is uninformative for the missense substitution (REVEL = 0.47). Based on the classification scheme RMH Modified ACMG/AMP Guidelines v1.6.1, this variant is classified as VARIANT OF UNCERTAIN SIGNIFICANCE. Following criteria are met: PM2_Supporting.

NM_004453.4(ETFDH):c.443G>A (p.Gly148Glu)

Gene: ETFDH (electron transfer flavoprotein dehydrogenase; plus strand). Cytogenetic location: 4q32.1.
Variant type: single nucleotide variant.
Coding change: c.443G>A on transcript NM_004453.4 (MANE Select); coding-DNA position 443, G replaced by A.
Protein change: p.Gly148Glu; replaces glycine 148 with glutamic acid.
Molecular consequence: missense variant.
Genome position (GRCh38, 1-based): chr4:158,684,629, G>A. VCF-style: chr4-158684629-G-A. GRCh37 (hg19) VCF-style: chr4-159605781-G-A.
Other names: c.302G>A, p.Gly101Glu (NM_001281737.2); c.260G>A, p.Gly87Glu (NM_001281738.1); short protein forms G101E, G148E, G87E.
Identifiers: ClinVar variation 3773788 (VCV003773788.1).